The following is an entry in ClinVar:

NC_000018.10:g.66241835_66245461del

Variant type: Deletion.
Genome position: GRCh38: chr18:66,241,835-66,245,461. GRCh37 (hg19): chr18:63,909,072-63,912,698.
Identifiers: ClinVar variation 157418 (VCV000157418.3), ClinGen allele CA212466.

ClinVar aggregate classification (germline): not provided (0 of 4 stars; one submission).

Conditions:
Small for gestational age. Also called: Low birth weight. Identifiers: MedGen C0235991, HP:0001518.

Submission:

Institute of Molecular and Cell Biology, University of Tartu
No classification provided. Condition: Small for gestational age. Review status: no classification provided. Collection method: case-control. Allele origin: unknown. Affected: yes. Study: Kasak2014.
Comment: The study aimed to determine the contribution of copy number variants in the genetic etiology of normal and complicated pregnancies. The samples represented (i) maternal blood DNA drawn from healthy pregnant women during 1st or 2nd trimester and (ii) maternal and paternal blood DNA drawn at term pregnancy cases representing normal and complicated gestations (severe preeclampsia, PE; gestational diabetes, GD; small-for-gestational age newborn, SGA; large-for-gestational age newborn, LGA). We performed CNV calling based on genome-wide genotyping dataset (Illumina HumanOmniExpress-24-v1 BeadChip) by applying three algorithms, QuantiSNP, GADA (Genome Alteration Detection Algorithm) and CNstream in parallel. The acquired CNV calls were merged with HD-CNV (Hotspot Detector for Copy Number Variants) program and only the CNVs predicted by at least two programs, were considered in subsequent analysis.

Literature cited by the submitters: PubMed 25666259.